The following is an entry in ClinVar:

ClinVar aggregate classification (germline): Uncertain significance (1 of 4 stars; one submission).

Submission:

GeneDx
Classification: Uncertain significance. Last evaluated: 2023-08-09. Review status: criteria provided, single submitter. Criteria: GeneDx Variant Classification Process June 2021. Collection method: clinical testing. Allele origin: germline. Affected: yes.
Comment: Not observed at significant frequency in large population cohorts (gnomAD); In silico analysis supports that this missense variant does not alter protein structure/function; Has not been previously published as pathogenic or benign to our knowledge

NM_001379200.1(TBX1):c.1159G>T (p.Gly387Cys)

Gene: TBX1 (T-box transcription factor 1; plus strand). Cytogenetic location: 22q11.21.
Variant type: single nucleotide variant.
Coding change: c.1159G>T on transcript NM_001379200.1 (MANE Select); coding-DNA position 1159, G replaced by T.
Protein change: p.Gly387Cys; replaces glycine 387 with cysteine.
Molecular consequence: missense variant. On other transcripts: intron variant (2).
Genome position (GRCh38, 1-based): chr22:19,766,511, G>T. VCF-style: chr22-19766511-G-T. GRCh37 (hg19) VCF-style: chr22-19754034-G-T.
Other names: c.1132G>T, p.Gly378Cys (NM_080647.1); c.1009+509G>T (NM_005992.1, NM_080646.2); short protein forms G378C, G387C.
Identifiers: ClinVar variation 3340722 (VCV003340722.1).
Genomic context (GRCh38, chr22:19,766,511, plus strand): 5'-CCGGCGCATCCTCCGCAGCTGCTGGCCCGGGTGCTAAGCCCCTCGCTGCCCGGGGCCGGC[G>T]GCGCCGGCGGCTTAGTCCCGCTGCCCGGCGCGCCCGGAGGCCGGCCCAGTCCCCCGAACC-3'
Protein context (NP_001366129.1, residues 377-397): VLSPSLPGAG[Gly387Cys]AGGLVPLPGA